The following is an entry in ClinVar:

NM_000037.4(ANK1):c.1588G>A (p.Ala530Thr)

Gene: ANK1 (ankyrin 1; minus strand). Cytogenetic location: 8p11.21.
Variant type: single nucleotide variant.
Coding change: c.1588G>A on transcript NM_000037.4 (MANE Select); coding-DNA position 1588, G replaced by A.
Protein change: p.Ala530Thr; replaces alanine 530 with threonine.
Molecular consequence: missense variant.
Genome position (GRCh38, 1-based): chr8:41,715,666, C>T on the plus strand (G>A on the coding strand, the complement: ANK1 is on the minus strand). VCF-style: chr8-41715666-C-T. GRCh37 (hg19) VCF-style: chr8-41573184-C-T.
Other names: c.1687G>A, p.Ala563Thr (NM_001142446.2); c.1588G>A, p.Ala530Thr (NM_020475.3, NM_020476.3, NM_020477.3); short protein forms A530T, A563T.
Identifiers: ClinVar variation 4764677 (VCV004764677.1).

ClinVar aggregate classification (germline): Uncertain significance (1 of 4 stars; one submission).

Submission:

Labcorp Genetics (formerly Invitae), Labcorp
Classification: Uncertain significance. Last evaluated: 2025-04-30. Review status: criteria provided, single submitter. Criteria: Invitae Variant Classification Sherloc (09022015). Collection method: clinical testing. Allele origin: germline.
Comment: This sequence change replaces alanine, which is neutral and non-polar, with threonine, which is neutral and polar, at codon 530 of the ANK1 protein (p.Ala530Thr). This variant is not present in population databases (gnomAD no frequency). This variant has not been reported in the literature in individuals affected with ANK1-related conditions. Invitae Evidence Modeling of protein sequence and biophysical properties (such as structural, functional, and spatial information, amino acid conservation, physicochemical variation, residue mobility, and thermodynamic stability) indicates that this missense variant is not expected to disrupt ANK1 protein function with a negative predictive value of 80%. In summary, the available evidence is currently insufficient to determine the role of this variant in disease. Therefore, it has been classified as a Variant of Uncertain Significance.